The following is an entry in ClinVar:

NM_001353345.2(SETD1B):c.2548A>G (p.Met850Val)

Gene: SETD1B (SET domain containing 1B, histone lysine methyltransferase; plus strand). Cytogenetic location: 12q24.31.
Variant type: single nucleotide variant.
Coding change: c.2548A>G on transcript NM_001353345.2 (MANE Select); coding-DNA position 2548, A replaced by G.
Protein change: p.Met850Val; replaces methionine 850 with valine.
Molecular consequence: missense variant.
Genome position (GRCh38, 1-based): chr12:121,814,763, A>G. VCF-style: chr12-121814763-A-G. GRCh37 (hg19) VCF-style: chr12-122252669-A-G.
Other names: short protein forms M850V.
Identifiers: ClinVar variation 3026320 (VCV003026320.22), dbSNP rs973256453, ClinGen allele CA244641637.

ClinVar aggregate classification (germline): Uncertain significance (1 of 4 stars; one submission).

Allele frequency attached by ClinVar (database versions not stated): gnomAD exomes below 0.00001.
gnomAD v4.1: 2 of 1,551,392 alleles (0.00013%); highest among the groups gnomAD compares: Non-Finnish European, 0.00017%; no homozygotes.

Submission:

CeGaT Center for Human Genetics Tuebingen
Classification: Uncertain significance. Last evaluated: 2023-12-01. Review status: criteria provided, single submitter. Criteria: CeGaT Center For Human Genetics Tuebingen Variant Classification Criteria Version 2. Collection method: clinical testing. Allele origin: germline. Affected: yes. Observed: 1 variant allele.
Comment: SETD1B: PM2, PP2, BP4